The following is an entry in ClinVar:

NM_032043.3(BRIP1):c.1787C>T (p.Pro596Leu)

Gene: BRIP1 (BRCA1 interacting DNA helicase 1; minus strand). Cytogenetic location: 17q23.2.
Variant type: single nucleotide variant.
Coding change: c.1787C>T on transcript NM_032043.3 (MANE Select); coding-DNA position 1787, C replaced by T.
Protein change: p.Pro596Leu; replaces proline 596 with leucine.
Molecular consequence: missense variant.
Genome position (GRCh38, 1-based): chr17:61,780,847, G>A on the plus strand (C>T on the coding strand, the complement: BRIP1 is on the minus strand). VCF-style: chr17-61780847-G-A. GRCh37 (hg19) VCF-style: chr17-59858208-G-A.
Other names: short protein forms P596L.
Identifiers: ClinVar variation 219555 (VCV000219555.15), dbSNP rs864622155, ClinGen allele CA349717.

ClinVar aggregate classification (germline): Uncertain significance. Review status: criteria provided, multiple submitters, no conflicts (2 of 4 stars). 2 submissions from 2 submitters: Uncertain significance (2). Last evaluated 2024-03-06.

Conditions:
Hereditary cancer-predisposing syndrome. Also called: Tumor predisposition; Hereditary Cancer Syndrome; Neoplastic Syndromes, Hereditary; Hereditary neoplastic syndrome. Identifiers: Orphanet 140162, MedGen C0027672, MeSH D009386, MONDO:0015356.
Familial cancer of breast. Also called: Hereditary breast cancer; BREAST CANCER, FAMILIAL; hereditary breast carcinoma. Identifiers: Orphanet 227535, MedGen C0346153, MONDO:0016419, OMIM 114480. Disease mechanism: loss of function.
Fanconi anemia complementation group J. Also called: BRIP1-Related Fanconi Anemia. Identifiers: Orphanet 84, MedGen C1836860, MONDO:0012187, OMIM 609054.

Submissions (2):

Labcorp Genetics (formerly Invitae), Labcorp
Classification: Uncertain significance for Familial cancer of breast; Fanconi anemia complementation group J. Last evaluated: 2024-03-06. Review status: criteria provided, single submitter. Criteria: Invitae Variant Classification Sherloc (09022015). Collection method: clinical testing. Allele origin: germline.
Comment: This sequence change replaces proline, which is neutral and non-polar, with leucine, which is neutral and non-polar, at codon 596 of the BRIP1 protein (p.Pro596Leu). This variant is not present in population databases (gnomAD no frequency). This variant has not been reported in the literature in individuals affected with BRIP1-related conditions. ClinVar contains an entry for this variant (Variation ID: 219555). Advanced modeling of protein sequence and biophysical properties (such as structural, functional, and spatial information, amino acid conservation, physicochemical variation, residue mobility, and thermodynamic stability) performed at Invitae indicates that this missense variant is expected to disrupt BRIP1 protein function with a positive predictive value of 80%. In summary, the available evidence is currently insufficient to determine the role of this variant in disease. Therefore, it has been classified as a Variant of Uncertain Significance.

Ambry Genetics
Classification: Uncertain significance for Hereditary cancer-predisposing syndrome. Last evaluated: 2023-10-17. Review status: criteria provided, single submitter. Criteria: Ambry Variant Classification Scheme 2023. Collection method: clinical testing. Allele origin: germline.
Comment: The p.P596L variant (also known as c.1787C>T), located in coding exon 11 of the BRIP1 gene, results from a C to T substitution at nucleotide position 1787. The proline at codon 596 is replaced by leucine, an amino acid with similar properties. This amino acid position is highly conserved in available vertebrate species. In addition, this alteration is predicted to be deleterious by in silico analysis. Since supporting evidence is limited at this time, the clinical significance of this alteration remains unclear.